The following is an entry in ClinVar:

NM_147127.5(EVC2):c.871-185G>A

Gene: EVC2 (EvC ciliary complex subunit 2; minus strand). Cytogenetic location: 4p16.2.
Variant type: single nucleotide variant.
Coding change: c.871-185G>A on transcript NM_147127.5 (MANE Select); 185 bases into the intron before coding-DNA position 871, G replaced by A.
Molecular consequence: intron variant.
Genome position (GRCh38, 1-based): chr4:5,665,834, C>T on the plus strand (G>A on the coding strand, the complement: EVC2 is on the minus strand). VCF-style: chr4-5665834-C-T. GRCh37 (hg19) VCF-style: chr4-5667561-C-T.
Other names: c.631-185G>A (NM_001166136.2).
Identifiers: ClinVar variation 667867 (VCV000667867.1), dbSNP rs4298088, ClinGen allele CA11634174.

ClinVar aggregate classification (germline): Benign (1 of 4 stars; one submission).

Allele frequency attached by ClinVar (database versions not stated): gnomAD 0.63341 and 0.63696; 1000 Genomes Project 0.63938; 1000 Genomes Project 30x 0.64225; TOPMed 0.64505.

Submission:

GeneDx
Classification: Benign. Last evaluated: 2018-06-14. Review status: criteria provided, single submitter. Criteria: GeneDx Variant Classification (06012015). Collection method: clinical testing. Allele origin: germline. Affected: yes.
Comment: This variant is considered likely benign or benign based on one or more of the following criteria: it is a conservative change, it occurs at a poorly conserved position in the protein, it is predicted to be benign by multiple in silico algorithms, and/or has population frequency not consistent with disease.